The following is an entry in ClinVar:

NM_001430.5(EPAS1):c.1298C>T (p.Pro433Leu)

Gene: EPAS1 (endothelial PAS domain protein 1; plus strand). Cytogenetic location: 2p21.
Variant type: single nucleotide variant.
Coding change: c.1298C>T on transcript NM_001430.5 (MANE Select); coding-DNA position 1298, C replaced by T.
Protein change: p.Pro433Leu; replaces proline 433 with leucine.
Molecular consequence: missense variant.
Genome position (GRCh38, 1-based): chr2:46,377,942, C>T. VCF-style: chr2-46377942-C-T. GRCh37 (hg19) VCF-style: chr2-46605081-C-T.
Other names: short protein forms P433L.
Identifiers: ClinVar variation 1769269 (VCV001769269.2), dbSNP rs2103667219, ClinGen allele CA346703733.

ClinVar aggregate classification (germline): Uncertain significance (1 of 4 stars; one submission).

Conditions:
Inborn genetic diseases. Identifiers: MedGen C0950123, MeSH D030342.

Allele frequency attached by ClinVar (database versions not stated): gnomAD exomes below 0.00001.
gnomAD v4.1: 1 of 1,557,696 alleles (0.000064%); highest among the groups gnomAD compares: Non-Finnish European, 0.000087%; no homozygotes.

Submission:

Ambry Genetics
Classification: Uncertain significance for Inborn genetic diseases. Last evaluated: 2022-09-28. Review status: criteria provided, single submitter. Criteria: Ambry Variant Classification Scheme 2023. Collection method: clinical testing. Allele origin: germline.
Comment: The p.P433L variant (also known as c.1298C>T), located in coding exon 10 of the EPAS1 gene, results from a C to T substitution at nucleotide position 1298. The proline at codon 433 is replaced by leucine, an amino acid with similar properties. This amino acid position is conserved. In addition, this alteration is predicted to be tolerated by in silico analysis. Since supporting evidence is limited at this time, the clinical significance of this alteration remains unclear.